The following is an entry in ClinVar:

NM_000496.3(CRYBB2):c.434G>C (p.Arg145Pro)

Gene: CRYBB2 (crystallin beta B2; plus strand). Cytogenetic location: 22q11.23.
Variant type: single nucleotide variant.
Coding change: c.434G>C on transcript NM_000496.3 (MANE Select); coding-DNA position 434, G replaced by C.
Protein change: p.Arg145Pro; replaces arginine 145 with proline.
Molecular consequence: missense variant.
Genome position (GRCh38, 1-based): chr22:25,229,563, G>C. VCF-style: chr22-25229563-G-C. GRCh37 (hg19) VCF-style: chr22-25625530-G-C.
Other names: short protein forms R145P.
Identifiers: ClinVar variation 2823220 (VCV002823220.3), dbSNP rs776010780, ClinGen allele CA410987969.

ClinVar aggregate classification (germline): Uncertain significance (1 of 4 stars; one submission).

Conditions:
Cataract 3 multiple types. Also called: CATARACT 3, MULTIPLE TYPES, WITH OR WITHOUT MICROCORNEA. Identifiers: Orphanet 1377, MedGen C1832175, MONDO:0011104, OMIM 601547.

gnomAD v4.1: 1 of 1,614,258 alleles (0.000062%); highest among the groups gnomAD compares: Non-Finnish European, 0.000085%; no homozygotes.

Submission:

Labcorp Genetics (formerly Invitae), Labcorp
Classification: Uncertain significance for Cataract 3 multiple types. Last evaluated: 2022-12-22. Review status: criteria provided, single submitter. Criteria: Invitae Variant Classification Sherloc (09022015). Collection method: clinical testing. Allele origin: germline.
Comment: This sequence change replaces arginine, which is basic and polar, with proline, which is neutral and non-polar, at codon 145 of the CRYBB2 protein (p.Arg145Pro). This variant is not present in population databases (gnomAD no frequency). This variant has not been reported in the literature in individuals affected with CRYBB2-related conditions. Algorithms developed to predict the effect of missense changes on protein structure and function (SIFT, PolyPhen-2, Align-GVGD) all suggest that this variant is likely to be disruptive. In summary, the available evidence is currently insufficient to determine the role of this variant in disease. Therefore, it has been classified as a Variant of Uncertain Significance.